The following is an entry in ClinVar:

NM_012233.3(RAB3GAP1):c.943C>T (p.Arg315Ter)

Gene: RAB3GAP1 (RAB3 GTPase activating protein catalytic subunit 1; plus strand). Cytogenetic location: 2q21.3.
Variant type: single nucleotide variant.
Coding change: c.943C>T on transcript NM_012233.3 (MANE Select); coding-DNA position 943, C replaced by T.
Protein change: p.Arg315Ter; replaces arginine 315 with a stop codon.
Molecular consequence: nonsense.
Genome position (GRCh38, 1-based): chr2:135,126,626, C>T. VCF-style: chr2-135126626-C-T. GRCh37 (hg19) VCF-style: chr2-135884196-C-T.
Other names: c.943C>T, p.Arg315Ter (NM_001172435.2); short protein forms R315*.
Identifiers: ClinVar variation 4956770 (VCV004956770.2).

ClinVar aggregate classification (germline): Pathogenic. Review status: criteria provided, multiple submitters, no conflicts (2 of 4 stars). 2 submissions from 2 submitters: Pathogenic (2). Last evaluated 2026-01-27.

Conditions:
RAB3GAP1-related disorder. Also called: RAB3GAP1-related disorders; RAB3GAP1-related condition.
Structural eye disease.

gnomAD v4.1: 35 of 1,613,094 alleles (0.0022%); highest among the groups gnomAD compares: Non-Finnish European, 0.0029%; no homozygotes.

Submissions (2):

North West Genomic Laboratory Hub, Manchester University NHS Foundation Trust
Classification: Pathogenic for Structural eye disease. Last evaluated: 2026-01-27. Review status: criteria provided, single submitter. Criteria: ACGS Best Practice Guidelines for Variant Classification in Rare Disease 2024. Collection method: clinical testing. Allele origin: germline. Affected: yes.
Comment: PM2_Mod PVS1_VStr PM3_Mod

Blueprint Genetics
Classification: Pathogenic for RAB3GAP1-related disorders. Last evaluated: 2018-12-14. Review status: criteria provided, single submitter. Criteria: ACMG Guidelines, 2015. Collection method: clinical testing. Allele origin: germline. Affected: yes. Observed: 1 variant allele.